The following is an entry in ClinVar:

NM_001458.5(FLNC):c.4061G>A (p.Arg1354Gln)

Gene: FLNC (filamin C; plus strand). Cytogenetic location: 7q32.1.
Variant type: single nucleotide variant.
Coding change: c.4061G>A on transcript NM_001458.5 (MANE Select); coding-DNA position 4061, G replaced by A.
Protein change: p.Arg1354Gln; replaces arginine 1354 with glutamine.
Molecular consequence: missense variant.
Genome position (GRCh38, 1-based): chr7:128,846,397, G>A. VCF-style: chr7-128846397-G-A. GRCh37 (hg19) VCF-style: chr7-128486451-G-A.
Other names: c.4061G>A, p.Arg1354Gln (NM_001127487.2); short protein forms R1354Q.
Identifiers: ClinVar variation 843171 (VCV000843171.14), dbSNP rs572132215, ClinGen allele CA4475231.
Genomic context (GRCh38, chr7:128,846,397, plus strand): 5'-CTGTGCCCAAGAGCCCCTTCCGAGTGGGCGTGACCGAGGGCTGTGATCCCACCCGCGTCC[G>A]AGCCTTCGGGCCAGGCCTGGAGGGTGGCTTGGTCAACAAGGCCAACCGATTCACTGTGGA-3'
Protein context (NP_001449.3, residues 1344-1364): VTEGCDPTRV[Arg1354Gln]AFGPGLEGGL

ClinVar aggregate classification (germline): Conflicting classifications of pathogenicity. Review status: criteria provided, conflicting classifications (1 of 4 stars). 3 submissions from 3 submitters: Uncertain significance (2); Likely benign (1). Last evaluated 2025-10-01.

Conditions:
Myofibrillar myopathy 5. Also called: Filaminopathy (type); FILAMINOPATHY, AUTOSOMAL DOMINANT. Identifiers: Orphanet 171445, MedGen C1836050, MONDO:0012289, OMIM 609524.
Distal myopathy with posterior leg and anterior hand involvement. Also called: WILLIAMS DISTAL MYOPATHY. Identifiers: Orphanet 63273, MedGen C3279722, MONDO:0013550, OMIM 614065.
Hypertrophic cardiomyopathy 26. Also called: Cardiomyopathy, familial hypertrophic, 26. Identifiers: Orphanet 75249, MedGen C4310749, MONDO:0014883, OMIM 617047.
Cardiovascular phenotype. Identifiers: MedGen CN230736.

Allele frequency attached by ClinVar (database versions not stated): TOPMed 0.00001; ExAC 0.00002; gnomAD 0.00002 and 0.00003; gnomAD exomes 0.00002; 1000 Genomes Project 30x 0.00016; 1000 Genomes Project 0.00040.
gnomAD v4.1: 28 of 1,610,228 alleles (0.0017%); highest among the groups gnomAD compares: Admixed American, 0.0033%; no homozygotes.

Submissions (3):

Labcorp Genetics (formerly Invitae), Labcorp
Classification: Likely benign for Distal myopathy with posterior leg and anterior hand involvement; Myofibrillar myopathy 5; Hypertrophic cardiomyopathy 26. Last evaluated: 2025-10-01. Review status: criteria provided, single submitter. Criteria: Invitae Variant Classification Sherloc (09022015). Collection method: clinical testing. Allele origin: germline.

Ambry Genetics
Classification: Uncertain significance for Cardiovascular phenotype. Last evaluated: 2023-08-07. Review status: criteria provided, single submitter. Criteria: Ambry Variant Classification Scheme 2023. Collection method: clinical testing. Allele origin: germline.
Comment: The p.R1354Q variant (also known as c.4061G>A), located in coding exon 23 of the FLNC gene, results from a G to A substitution at nucleotide position 4061. The arginine at codon 1354 is replaced by glutamine, an amino acid with highly similar properties. This amino acid position is highly conserved in available vertebrate species. In addition, the in silico prediction for this alteration is inconclusive. Since supporting evidence is limited at this time, the clinical significance of this alteration remains unclear.

Phosphorus, Inc.
Classification: Uncertain significance. Last evaluated: 2022-01-19. Review status: criteria provided, single submitter. Criteria: ACMG Guidelines, 2015. Collection method: clinical testing. Allele origin: germline. Inheritance: Autosomal dominant inheritance.
Comment: This missense variant results in a substitution of arginine with glutamine at codon 1354 of the FLNC gene (transcript NM_001458.4). This variant has been reported in ClinVar (843171) NM_001458.5 (FLNC):c.4061G>A (p.Arg1354Gln) and occurred in GnomAD with a total MAF of 0.0029% and highest MAF of 0.0097% in the South Asian population. This position is conserved. In silico functional algorithms agree, predicting it as benign (PolyPhen/REVEL) and tolerated (SIFT), but no functional studies were performed to confirm these predictions. The variant has not occurred in the literature associated with the disease. In conclusion, the available evidence is insufficient to determine the pathogenicity of this variant. Therefore, it is classified as a Variant of Uncertain Significance.